The following is an entry in ClinVar:

ClinVar aggregate classification (germline): Uncertain significance. Review status: criteria provided, multiple submitters, no conflicts (2 of 4 stars). 2 submissions from 2 submitters: Uncertain significance (2). Last evaluated 2025-06-15.

Allele frequency attached by ClinVar (database versions not stated): gnomAD exomes 0.00002; 1000 Genomes Project 0.00020; 1000 Genomes Project 30x 0.00031; gnomAD 0.00002; ExAC 0.00003.
gnomAD v4.1: 31 of 1,606,710 alleles (0.0019%); highest among the groups gnomAD compares: African/African-American, 0.0027%; no homozygotes.

Submissions (2):

Labcorp Genetics (formerly Invitae), Labcorp
Classification: Uncertain significance. Last evaluated: 2025-06-15. Review status: criteria provided, single submitter. Criteria: Invitae Variant Classification Sherloc (09022015). Collection method: clinical testing. Allele origin: germline.
Comment: This sequence change replaces arginine, which is basic and polar, with tryptophan, which is neutral and slightly polar, at codon 2221 of the FBN3 protein (p.Arg2221Trp). The frequency data for this variant in the population databases is considered unreliable, as metrics indicate poor data quality at this position in the gnomAD database. This variant has not been reported in the literature in individuals affected with FBN3-related conditions. ClinVar contains an entry for this variant (Variation ID: 2269350). Invitae Evidence Modeling of protein sequence and biophysical properties (such as structural, functional, and spatial information, amino acid conservation, physicochemical variation, residue mobility, and thermodynamic stability) indicates that this missense variant is not expected to disrupt FBN3 protein function with a negative predictive value of 80%. In summary, the available evidence is currently insufficient to determine the role of this variant in disease. Therefore, it has been classified as a Variant of Uncertain Significance.

Ambry Genetics
Classification: Uncertain significance. Last evaluated: 2022-01-04. Review status: criteria provided, single submitter. Criteria: Ambry Variant Classification Scheme 2023. Collection method: clinical testing. Allele origin: germline.

NM_032447.5(FBN3):c.6661C>T (p.Arg2221Trp)

Gene: FBN3 (fibrillin 3; minus strand). Cytogenetic location: 19p13.2.
Variant type: single nucleotide variant.
Coding change: c.6661C>T on transcript NM_032447.5 (MANE Select); coding-DNA position 6661, C replaced by T.
Protein change: p.Arg2221Trp; replaces arginine 2221 with tryptophan.
Molecular consequence: missense variant.
Genome position (GRCh38, 1-based): chr19:8,087,170, G>A on the plus strand (C>T on the coding strand, the complement: FBN3 is on the minus strand). VCF-style: chr19-8087170-G-A. GRCh37 (hg19) VCF-style: chr19-8152054-G-A.
Other names: c.6661C>T, p.Arg2221Trp (NM_001321431.2); short protein forms R2221W.
Identifiers: ClinVar variation 2269350 (VCV002269350.5), dbSNP rs202020932, ClinGen allele CA9151181.
Genomic context (GRCh38, chr19:8,087,170, plus strand): 5'-GCATGCCTGGGGGACAGACGCACGCGAAGGTACCGATGAGGTTCTTGCACTCCATGCCCC[G>A]GGCGTGGCAGTCCTGCTGACCATCTGCACACTCGTCCACATCTTCGGATGACCAGAGACA-3'
Protein context (NP_115823.3, residues 2211-2231): CADGQQDCHA[Arg2221Trp]GMECKNLIGT